The following is an entry in ClinVar:

ClinVar aggregate classification (germline): Uncertain significance. Review status: criteria provided, multiple submitters, no conflicts (2 of 4 stars). 2 submissions from 2 submitters: Uncertain significance (2). Last evaluated 2024-12-03.

Conditions:
Inborn genetic diseases. Identifiers: MedGen C0950123, MeSH D030342.

Allele frequency attached by ClinVar (database versions not stated): TOPMed below 0.00001; gnomAD 0.00001.
gnomAD v4.1: 4 of 1,577,364 alleles (0.00025%); highest among the groups gnomAD compares: African/African-American, 0.004%; no homozygotes.

Submissions (2):

Ambry Genetics
Classification: Uncertain significance for Inborn genetic diseases. Last evaluated: 2024-12-03. Review status: criteria provided, single submitter. Criteria: Ambry Variant Classification Scheme 2023. Collection method: clinical testing. Allele origin: germline.

GeneDx
Classification: Uncertain significance. Last evaluated: 2022-06-29. Review status: criteria provided, single submitter. Criteria: GeneDx Variant Classification Process June 2021. Collection method: clinical testing. Allele origin: germline. Affected: yes.
Comment: In-silico analysis is inconclusive as to whether the variant alters gene splicing. In the absence of RNA/functional studies, the actual effect of this sequence change is unknown.; In silico analysis supports that this missense variant does not alter protein structure/function; Not observed at significant frequency in large population cohorts (gnomAD); Has not been previously published as pathogenic or benign to our knowledge

NM_000080.4(CHRNE):c.1327G>C (p.Glu443Gln)

Gene: CHRNE (cholinergic receptor nicotinic epsilon subunit; minus strand). Cytogenetic location: 17p13.2.
Variant type: single nucleotide variant.
Coding change: c.1327G>C on transcript NM_000080.4 (MANE Select); coding-DNA position 1327, G replaced by C.
Protein change: p.Glu443Gln; replaces glutamic acid 443 with glutamine.
Molecular consequence: missense variant.
Genome position (GRCh38, 1-based): chr17:4,898,891, C>G on the plus strand (G>C on the coding strand, the complement: CHRNE is on the minus strand). VCF-style: chr17-4898891-C-G. GRCh37 (hg19) VCF-style: chr17-4802186-C-G.
Other names: short protein forms E443Q.
Identifiers: ClinVar variation 1810033 (VCV001810033.2), dbSNP rs1377386170, ClinGen allele CA397297969.